The following is an entry in ClinVar:

NM_001163435.3(TBCK):c.2420G>C (p.Arg807Pro)

Gene: TBCK (TBC1 domain containing kinase; minus strand). Cytogenetic location: 4q24.
Variant type: single nucleotide variant.
Coding change: c.2420G>C on transcript NM_001163435.3 (MANE Select); coding-DNA position 2420, G replaced by C.
Protein change: p.Arg807Pro; replaces arginine 807 with proline.
Molecular consequence: missense variant.
Genome position (GRCh38, 1-based): chr4:106,095,633, C>G on the plus strand (G>C on the coding strand, the complement: TBCK is on the minus strand). VCF-style: chr4-106095633-C-G. GRCh37 (hg19) VCF-style: chr4-107016790-C-G.
Other names: c.2420G>C, p.Arg807Pro (NM_001163436.4); c.2303G>C, p.Arg768Pro (NM_001163437.3); c.1904G>C, p.Arg635Pro (NM_001290768.2); c.2231G>C, p.Arg744Pro (NM_033115.5); short protein forms R744P, R768P, R807P, R635P.
Identifiers: ClinVar variation 1029174 (VCV001029174.8), dbSNP rs767308208, ClinGen allele CA3034704.

ClinVar aggregate classification (germline): Uncertain significance. Review status: criteria provided, multiple submitters, no conflicts (2 of 4 stars). 4 submissions from 4 submitters: Uncertain significance (4). Last evaluated 2026-01-26.

Conditions:
Hypotonia, infantile, with psychomotor retardation and characteristic facies 3 (IHPRF3). Also called: TBCK-Related Neurodevelopmental Disorder. Identifiers: Orphanet 488632, MedGen C5567480, MONDO:0014823, OMIM 616900.
Inborn genetic diseases. Identifiers: MedGen C0950123, MeSH D030342.

Allele frequency attached by ClinVar (database versions not stated): gnomAD 0.00003; TOPMed 0.00006; ExAC 0.00019.
gnomAD v4.1: 131 of 1,611,540 alleles (0.0081%); highest among the groups gnomAD compares: South Asian, 0.088%; no homozygotes.

Submissions (4):

Labcorp Genetics (formerly Invitae), Labcorp
Classification: Uncertain significance. Last evaluated: 2026-01-26. Review status: criteria provided, single submitter. Criteria: Invitae Variant Classification Sherloc (09022015). Collection method: clinical testing. Allele origin: germline.
Comment: This sequence change replaces arginine, which is basic and polar, with proline, which is neutral and non-polar, at codon 807 of the TBCK protein (p.Arg807Pro). This variant is present in population databases (rs767308208, gnomAD 0.09%). This variant has not been reported in the literature in individuals affected with TBCK-related conditions. ClinVar contains an entry for this variant (Variation ID: 1029174). Invitae Evidence Modeling of protein sequence and biophysical properties (such as structural, functional, and spatial information, amino acid conservation, physicochemical variation, residue mobility, and thermodynamic stability) has been performed for this missense variant. However, the output from this modeling did not meet the statistical confidence thresholds required to predict the impact of this variant on TBCK protein function. Algorithms developed to predict the effect of sequence changes on RNA splicing suggest that this variant may disrupt the consensus splice site. In summary, the available evidence is currently insufficient to determine the role of this variant in disease. Therefore, it has been classified as a Variant of Uncertain Significance.

Fulgent Genetics
Classification: Uncertain significance for Hypotonia, infantile, with psychomotor retardation and characteristic facies 3. Last evaluated: 2022-05-17. Review status: criteria provided, single submitter. Criteria: ACMG Guidelines, 2015. Collection method: clinical testing. Allele origin: unknown.

Ambry Genetics
Classification: Uncertain significance for Inborn genetic diseases. Last evaluated: 2021-03-26. Review status: criteria provided, single submitter. Criteria: Ambry Variant Classification Scheme 2023. Collection method: clinical testing. Allele origin: germline.
Comment: The c.2420G>C (p.R807P) alteration is located in exon 25 (coding exon 24) of the TBCK gene. This alteration results from a G to C substitution at nucleotide position 2420, causing the arginine (R) at amino acid position 807 to be replaced by a proline (P). The in silico prediction for the p.R807P alteration is inconclusive. Based on insufficient or conflicting evidence, the clinical significance of this alteration remains unclear.

Baylor Genetics
Classification: Uncertain significance for Hypotonia, infantile, with psychomotor retardation and characteristic facies 3. Last evaluated: 2020-06-09. Review status: criteria provided, single submitter. Criteria: ACMG Guidelines, 2015. Collection method: clinical testing. Allele origin: unknown. Affected: yes.
Comment: This variant was determined to be of uncertain significance according to ACMG Guidelines, 2015 [PMID:25741868].